The following is an entry in ClinVar:

ClinVar aggregate classification (germline): Uncertain significance (1 of 4 stars; one submission).

Allele frequency attached by ClinVar (database versions not stated): gnomAD 0.00006; gnomAD exomes 0.00006; TOPMed 0.00013; ExAC 0.00016.
gnomAD v4.1: 101 of 1,613,414 alleles (0.0063%); highest among the groups gnomAD compares: East Asian, 0.15%; no homozygotes.

Submission:

Labcorp Genetics (formerly Invitae), Labcorp
Classification: Uncertain significance. Last evaluated: 2024-07-01. Review status: criteria provided, single submitter. Criteria: Invitae Variant Classification Sherloc (09022015). Collection method: clinical testing. Allele origin: germline.
Comment: This sequence change replaces asparagine, which is neutral and polar, with serine, which is neutral and polar, at codon 54 of the KATNB1 protein (p.Asn54Ser). This variant is present in population databases (rs781861902, gnomAD 0.2%). This variant has not been reported in the literature in individuals affected with KATNB1-related conditions. ClinVar contains an entry for this variant (Variation ID: 2148236). An algorithm developed to predict the effect of missense changes on protein structure and function (PolyPhen-2) suggests that this variant is likely to be disruptive. In summary, the available evidence is currently insufficient to determine the role of this variant in disease. Therefore, it has been classified as a Variant of Uncertain Significance.

NM_005886.3(KATNB1):c.161A>G (p.Asn54Ser)

Gene: KATNB1 (katanin regulatory subunit B1; plus strand). Cytogenetic location: 16q21.
Variant type: single nucleotide variant.
Coding change: c.161A>G on transcript NM_005886.3 (MANE Select); coding-DNA position 161, A replaced by G.
Protein change: p.Asn54Ser; replaces asparagine 54 with serine.
Molecular consequence: missense variant.
Genome position (GRCh38, 1-based): chr16:57,741,807, A>G. VCF-style: chr16-57741807-A-G. GRCh37 (hg19) VCF-style: chr16-57775719-A-G.
Other names: short protein forms N54S.
Identifiers: ClinVar variation 2148236 (VCV002148236.3), dbSNP rs781861902, ClinGen allele CA8080629.